The following is an entry in ClinVar:

ClinVar aggregate classification (germline): Uncertain significance. Review status: criteria provided, multiple submitters, no conflicts (2 of 4 stars). 3 submissions from 3 submitters: Uncertain significance (3). Last evaluated 2025-05-05.

Conditions:
Hereditary breast ovarian cancer syndrome. Also called: Hereditary breast and ovarian cancer; Hereditary breast and ovarian cancer syndrome; Hereditary breast and/or ovarian cancer syndrome; BRCA1- and BRCA2-Associated Hereditary Breast and Ovarian Cancer; Hereditary breast and ovarian cancer syndrome (HBOC); Breast and ovarian cancer. Identifiers: Orphanet 145, MedGen C0677776, MeSH D061325, MONDO:0003582. Disease mechanism: loss of function.
Hereditary cancer-predisposing syndrome. Also called: Tumor predisposition; Hereditary neoplastic syndrome; Hereditary Cancer Syndrome; Neoplastic Syndromes, Hereditary. Identifiers: Orphanet 140162, MedGen C0027672, MeSH D009386, MONDO:0015356.

Submissions (3):

Ambry Genetics
Classification: Uncertain significance for Hereditary cancer-predisposing syndrome. Last evaluated: 2025-05-05. Review status: criteria provided, single submitter. Criteria: Ambry Variant Classification Scheme 2023. Collection method: clinical testing. Allele origin: germline.
Comment: The c.1796_1798delCTT variant (also known as p.S599del) is located in coding exon 9 of the BRCA2 gene. This variant results from an in-frame CTT deletion at nucleotide positions 1796 to 1798. This results in the in-frame deletion of a serine at codon 599. This amino acid position is not well conserved in available vertebrate species. In addition, the in silico prediction for this alteration is inconclusive (Choi Y et al. PLoS ONE. 2012; 7(10):e46688). Since supporting evidence is limited at this time, the clinical significance of this alteration remains unclear.

Color Diagnostics, LLC DBA Color Health
Classification: Uncertain significance for Hereditary cancer-predisposing syndrome. Last evaluated: 2024-06-14. Review status: criteria provided, single submitter. Criteria: ACMG Guidelines, 2015. Collection method: clinical testing. Allele origin: germline.
Comment: This variant causes an in-frame deletion of one amino acid of the BRCA2 protein. To our knowledge, functional studies have not been reported for this variant. This variant has not been reported in individuals affected with BRCA2-related disorders in the literature. This variant has not been identified in the general population by the Genome Aggregation Database (gnomAD). The available evidence is insufficient to determine the role of this variant in disease conclusively. Therefore, this variant is classified as a Variant of Uncertain Significance.

Labcorp Genetics (formerly Invitae), Labcorp
Classification: Uncertain significance for Hereditary breast ovarian cancer syndrome. Last evaluated: 2022-09-26. Review status: criteria provided, single submitter. Criteria: Invitae Variant Classification Sherloc (09022015). Collection method: clinical testing. Allele origin: germline.
Comment: ClinVar contains an entry for this variant (Variation ID: 1171366). This variant, c.1796_1798del, results in the deletion of 1 amino acid(s) of the BRCA2 protein (p.Ser599del), but otherwise preserves the integrity of the reading frame. This variant is not present in population databases (gnomAD no frequency). This variant has not been reported in the literature in individuals affected with BRCA2-related conditions. Experimental studies and prediction algorithms are not available or were not evaluated, and the functional significance of this variant is currently unknown. In summary, the available evidence is currently insufficient to determine the role of this variant in disease. Therefore, it has been classified as a Variant of Uncertain Significance.

NM_000059.4(BRCA2):c.1796_1798del (p.Ser599del)

Gene: BRCA2 (BRCA2 DNA repair associated; plus strand). Cytogenetic location: 13q13.1.
Variant type: Deletion.
Coding change: c.1796_1798del on transcript NM_000059.4 (MANE Select); coding-DNA positions 1796 to 1798, 3 bases deleted (CTT; older notation c.1796_1798delCTT).
Protein change: p.Ser599del; deletes serine 599.
Molecular consequence: inframe deletion.
Genome position (GRCh38, 1-based): chr13:32,333,274-32,333,276, CTT deleted; deleting any 3 consecutive bases within chr13:32,333,273-32,333,276 gives the same sequence; the c. name uses the placement nearest the transcript's 3' end. VCF-style (leftmost placement, unchanged base first): chr13-32333272-ATCT-A. GRCh37 (hg19) VCF-style: chr13-32907409-ATCT-A.
Other names: c.1796_1798delCTT (NM_000059.3); short protein forms S599del.
Identifiers: ClinVar variation 1171366 (VCV001171366.9), dbSNP rs2072422436, ClinGen allele CA954690801.